The following is an entry in ClinVar:

NM_001371986.1(UNC80):c.2338A>G (p.Ser780Gly)

Gene: UNC80 (unc-80 subunit of NALCN channel complex; plus strand). Cytogenetic location: 2q34.
Variant type: single nucleotide variant.
Coding change: c.2338A>G on transcript NM_001371986.1 (MANE Select); coding-DNA position 2338, A replaced by G.
Protein change: p.Ser780Gly; replaces serine 780 with glycine.
Molecular consequence: missense variant.
Genome position (GRCh38, 1-based): chr2:209,825,913, A>G. VCF-style: chr2-209825913-A-G. GRCh37 (hg19) VCF-style: chr2-210690637-A-G.
Other names: c.2338A>G, p.Ser780Gly (NM_032504.2, NM_182587.4); short protein forms S780G.
Identifiers: ClinVar variation 2126654 (VCV002126654.4), dbSNP rs2080484125, ClinGen allele CA350137185.

ClinVar aggregate classification (germline): Uncertain significance (1 of 4 stars; one submission).

Submission:

Labcorp Genetics (formerly Invitae), Labcorp
Classification: Uncertain significance. Last evaluated: 2022-08-22. Review status: criteria provided, single submitter. Criteria: Invitae Variant Classification Sherloc (09022015). Collection method: clinical testing. Allele origin: germline.
Comment: In summary, the available evidence is currently insufficient to determine the role of this variant in disease. Therefore, it has been classified as a Variant of Uncertain Significance. Algorithms developed to predict the effect of missense changes on protein structure and function are either unavailable or do not agree on the potential impact of this missense change (SIFT: "Not Available"; PolyPhen-2: "Benign"; Align-GVGD: "Not Available"). This variant has not been reported in the literature in individuals affected with UNC80-related conditions. This variant is not present in population databases (gnomAD no frequency). This sequence change replaces serine, which is neutral and polar, with glycine, which is neutral and non-polar, at codon 780 of the UNC80 protein (p.Ser780Gly).